The following is an entry in ClinVar:

NM_001023570.4(IQCB1):c.1447C>G (p.His483Asp)

Gene: IQCB1 (IQ motif containing B1; minus strand). Cytogenetic location: 3q13.33.
Variant type: single nucleotide variant.
Coding change: c.1447C>G on transcript NM_001023570.4 (MANE Select); coding-DNA position 1447, C replaced by G.
Protein change: p.His483Asp; replaces histidine 483 with aspartic acid.
Molecular consequence: missense variant. On other transcripts: non-coding transcript variant (1).
Genome position (GRCh38, 1-based): chr3:121,772,677, G>C on the plus strand (C>G on the coding strand, the complement: IQCB1 is on the minus strand). VCF-style: chr3-121772677-G-C. GRCh37 (hg19) VCF-style: chr3-121491524-G-C.
Other names: c.1048C>G, p.His350Asp (NM_001023571.4); c.1447C>G, p.His483Asp (NM_001319107.2); c.1447C>G (NM_001023570.3); short protein forms H350D, H483D.
Identifiers: ClinVar variation 1485518 (VCV001485518.10), dbSNP rs746090954, ClinGen allele CA2567091.

ClinVar aggregate classification (germline): Uncertain significance. Review status: criteria provided, multiple submitters, no conflicts (2 of 4 stars). 3 submissions from 3 submitters: Uncertain significance (3). Last evaluated 2026-06-17.

Conditions:
Nephronophthisis. Also called: Juvenile Nephronophthisis. Identifiers: Orphanet 655, MedGen C0687120, MONDO:0019005, HP:0000090.
IQCB1-related disorder. Also called: IQCB1-related condition.

Allele frequency attached by ClinVar (database versions not stated): gnomAD 0.00001; gnomAD exomes 0.00001; ExAC 0.00002; TOPMed 0.00005.
gnomAD v4.1: 9 of 1,614,026 alleles (0.00056%); highest among the groups gnomAD compares: Admixed American, 0.005%; no homozygotes.

Submissions (3):

PreventionGenetics, part of Exact Sciences
Classification: Uncertain significance for IQCB1-related condition. Last evaluated: 2026-06-17. Review status: criteria provided, single submitter. Criteria: ACMG Guidelines, 2015. Collection method: clinical testing. Allele origin: germline.
Comment: The IQCB1 c.1447C>G variant is predicted to result in the amino acid substitution p.His483Asp. To our knowledge, this variant has not been reported in the literature. This variant is reported in 0.0058% of alleles in individuals of Latino descent in gnomAD. At this time, the clinical significance of this variant is uncertain due to the absence of conclusive functional and genetic evidence.

Labcorp Genetics (formerly Invitae), Labcorp
Classification: Uncertain significance for Nephronophthisis. Last evaluated: 2021-03-29. Review status: criteria provided, single submitter. Criteria: Invitae Variant Classification Sherloc (09022015). Collection method: clinical testing. Allele origin: germline.
Comment: This variant is present in population databases (rs746090954, ExAC 0.02%). This sequence change replaces histidine with aspartic acid at codon 483 of the IQCB1 protein (p.His483Asp). The histidine residue is highly conserved and there is a moderate physicochemical difference between histidine and aspartic acid. In summary, the available evidence is currently insufficient to determine the role of this variant in disease. Therefore, it has been classified as a Variant of Uncertain Significance. Algorithms developed to predict the effect of missense changes on protein structure and function are either unavailable or do not agree on the potential impact of this missense change (SIFT: "Deleterious"; PolyPhen-2: "Probably Damaging"; Align-GVGD: "Class C0"). This variant has not been reported in the literature in individuals with IQCB1-related conditions.

Breakthrough Genomics
Classification: Uncertain significance. Review status: criteria provided, single submitter. Criteria: ACMG Guidelines, 2015. Collection method: not provided. Allele origin: germline. Inheritance: Autosomal recessive inheritance. Affected: yes.